The following is an entry in ClinVar:

NM_001374385.1(ATP8B1):c.2716A>G (p.Ile906Val)

Genes: ATP8B1 (ATPase phospholipid transporting 8B1; minus strand), ATP8B1-AS1 (ATP8B1 antisense RNA 1; plus strand). Cytogenetic location: 18q21.31.
Variant type: single nucleotide variant.
Coding change: c.2716A>G on transcript NM_001374385.1 (MANE Select); coding-DNA position 2716, A replaced by G.
Protein change: p.Ile906Val; replaces isoleucine 906 with valine.
Molecular consequence: missense variant.
Genome position (GRCh38, 1-based): chr18:57,655,409, T>C on the plus strand (A>G on the coding strand, the complement: ATP8B1 is on the minus strand). VCF-style: chr18-57655409-T-C. GRCh37 (hg19) VCF-style: chr18-55322641-T-C.
Other names: c.2566A>G, p.Ile856Val (NM_001374386.1); c.2716A>G, p.Ile906Val (NM_005603.6); short protein forms I856V, I906V.
Identifiers: ClinVar variation 2631724 (VCV002631724.2), dbSNP rs147888052, ClinGen allele CA8974174.

ClinVar aggregate classification (germline): Uncertain significance. Review status: criteria provided, multiple submitters, no conflicts (2 of 4 stars). 2 submissions from 2 submitters: Uncertain significance (2). Last evaluated 2025-11-05.

Conditions:
Inborn genetic diseases. Identifiers: MedGen C0950123, MeSH D030342.
ATP8B1-related disorder. Also called: ATP8B1-related condition; ATP8B1-related disorders.

Allele frequency attached by ClinVar (database versions not stated): gnomAD exomes below 0.00001; ExAC 0.00002; gnomAD 0.00002; TOPMed 0.00002; ESP Exome Variant Server 0.00008.
gnomAD v4.1: 9 of 1,613,990 alleles (0.00056%); highest among the groups gnomAD compares: African/African-American, 0.012%; no homozygotes.

Submissions (2):

Ambry Genetics
Classification: Uncertain significance for Inborn genetic diseases. Last evaluated: 2025-11-05. Review status: criteria provided, single submitter. Criteria: Ambry Variant Classification Scheme 2023. Collection method: clinical testing. Allele origin: germline.

PreventionGenetics, part of Exact Sciences
Classification: Uncertain significance for ATP8B1-related condition. Last evaluated: 2023-07-13. Review status: criteria provided, single submitter. Criteria: ACMG Guidelines, 2015. Collection method: clinical testing. Allele origin: germline.
Comment: The ATP8B1 c.2716A>G variant is predicted to result in the amino acid substitution p.Ile906Val. To our knowledge, this variant has not been reported in the literature. This variant is reported in 0.012% of alleles in individuals of African descent in gnomAD. At this time, the clinical significance of this variant is uncertain due to the absence of conclusive functional and genetic evidence.